The following is an entry in ClinVar:

ClinVar aggregate classification (germline): Likely benign (1 of 4 stars; one submission).

Conditions:
PKD1-related disorder. Also called: PKD1-related condition.

gnomAD v4.1: 28 of 1,609,806 alleles (0.0017%); highest among the groups gnomAD compares: African/African-American, 0.0027%; no homozygotes.

Submission:

PreventionGenetics, part of Exact Sciences
Classification: Likely benign for PKD1-related condition. Last evaluated: 2026-03-23. Review status: criteria provided, single submitter. Criteria: ACMG Guidelines, 2015. Collection method: clinical testing. Allele origin: germline.
Comment: This variant is classified as likely benign based on ACMG/AMP sequence variant interpretation guidelines (Richards et al. 2015 PMID: 25741868, with internal and published modifications).

NM_001009944.3(PKD1):c.8499C>T (p.Pro2833=)

Gene: PKD1 (polycystin 1, transient receptor potential channel interacting; minus strand). Cytogenetic location: 16p13.3.
Variant type: single nucleotide variant.
Coding change: c.8499C>T on transcript NM_001009944.3 (MANE Select); coding-DNA position 8499, C replaced by T.
Protein change: p.Pro2833=; no amino-acid change (proline 2833 retained).
Molecular consequence: synonymous variant.
Genome position (GRCh38, 1-based): chr16:2,103,558, G>A on the plus strand (C>T on the coding strand, the complement: PKD1 is on the minus strand). VCF-style: chr16-2103558-G-A. GRCh37 (hg19) VCF-style: chr16-2153559-G-A.
Other names: c.8499C>T, p.Pro2833= (NM_000296.4).
Identifiers: ClinVar variation 4979725 (VCV004979725.1).